The following is an entry in ClinVar:

NM_000091.5(COL4A3):c.1450G>A (p.Gly484Arg)

Genes: COL4A3 (collagen type IV alpha 3 chain; plus strand), MFF-DT (MFF divergent transcript; minus strand). Cytogenetic location: 2q36.3.
Variant type: single nucleotide variant.
Coding change: c.1450G>A on transcript NM_000091.5 (MANE Select); coding-DNA position 1450, G replaced by A.
Protein change: p.Gly484Arg; replaces glycine 484 with arginine.
Molecular consequence: missense variant.
Genome position (GRCh38, 1-based): chr2:227,267,034, G>A. VCF-style: chr2-227267034-G-A. GRCh37 (hg19) VCF-style: chr2-228131750-G-A.
Other names: p.Gly484Arg; p.(Gly484Arg); c.1450G>A (NM_000091.4); short protein forms G484R.
Identifiers: ClinVar variation 932709 (VCV000932709.60), dbSNP rs777401300, ClinGen allele CA2146661.

ClinVar aggregate classification (germline): Conflicting classifications of pathogenicity. Review status: criteria provided, conflicting classifications (1 of 4 stars). 17 submissions from 17 submitters: Pathogenic (1); Likely pathogenic (11); Uncertain significance (5). Last evaluated 2026-08-19.

Conditions:
COL4A3-related disorder. Also called: COL4A3-Related Disorders; COL4A3-related condition.
Alport syndrome 3b, autosomal recessive. Identifiers: MedGen C5882699, MONDO:0957811, OMIM 620536.
Alport syndrome. Also called: Hemorrhagic familial nephritis; Hemorrhagic hereditary nephritis; Congenital hereditary hematuria. Identifiers: Orphanet 63, MedGen C1567741, MONDO:0018965.
Hematuria. Identifiers: MedGen C0018965, HP:0000790.
Autosomal recessive Alport syndrome (ATS2). Also called: COL4A4 Alport Syndrome and Thin Basement Membrane Nephropathy; COL4A3-Related Nephropathy; Alport syndrome type 2; ALPORT SYNDROME 2, AUTOSOMAL RECESSIVE. Identifiers: Orphanet 63, Orphanet 88919, MedGen C4746745, MONDO:0008762, OMIM 203780.
Autosomal dominant Alport syndrome (ATS3A). Also called: ALPORT SYNDROME 3A, AUTOSOMAL DOMINANT; Alport syndrome dominant type; Renal failure and sensorineural hearing loss. Identifiers: Orphanet 63, Orphanet 88918, MedGen C5882663, MONDO:0007086, OMIM 104200.
Hematuria, benign familial, 2 (BFH2). Identifiers: MedGen C5830421, MONDO:0958186, OMIM 620320.

Allele frequency attached by ClinVar (database versions not stated): ExAC 0.00002; gnomAD 0.00003; gnomAD exomes 0.00003; TOPMed 0.00003.
gnomAD v4.1: 49 of 1,613,868 alleles (0.003%); highest among the groups gnomAD compares: Middle Eastern, 0.016%; no homozygotes.

Submissions 1 to 11 of 17:

Genetics Laboratory, Great Ormond Street Hospital NHS Foundation Trust, North Thames Genomic Laboratory Hub
Classification: Likely pathogenic for Haematuria. Last evaluated: 2026-08-19. Review status: criteria provided, single submitter. Criteria: ACGS Best Practice Guidelines for Variant Classification in Rare Disease 2024 v1.2. Collection method: clinical testing. Allele origin: germline. Affected: yes.
Comment: PS4_supporting, PM2_moderate, PP3_supporting, PM1_strong

Myriad Genetics, Inc.
Classification: Likely pathogenic for Alport syndrome. Last evaluated: 2026-07-17. Review status: criteria provided, single submitter. Criteria: Myriad Autosomal Dominant, Autosomal Recessive and X-Linked Classification Criteria (2023). Collection method: clinical testing. Allele origin: unknown.
Comment: NM_000091.4(COL4A3):c.1450G>A(G484R) is a missense variant classified as likely pathogenic in the context of Alport syndrome, COL4A3-related. G484R has been observed in cases with relevant disease (PMID: 25514610, 41499173). Relevant functional assessments of this variant are available in the literature (PMID: 25514610). G484R has been observed in referenced population frequency databases. In summary, NM_000091.4(COL4A3):c.1450G>A(G484R) is a missense variant that has functional support for pathogenicity and has been observed more frequently in cases with the relevant disease than in healthy populations. Please note: this variant was assessed in the context of healthy population screening.

PreventionGenetics, part of Exact Sciences
Classification: Likely pathogenic for COL4A3-related condition. Last evaluated: 2026-07-10. Review status: criteria provided, single submitter. Criteria: ACMG Guidelines, 2015. Collection method: clinical testing. Allele origin: germline.
Comment: The COL4A3 c.1450G>A variant is predicted to result in the amino acid substitution p.Gly484Arg. This variant occurs at the conserved triple helical domain (residues 43-1438) of the COL4A3 protein, where substitutions of the glycine (Gly) residue are usually pathogenic (Hudson et al. 1993. PubMed ID: 8253711). This variant was reported in the presumed heterozygous status in three individuals with microscopic haematuria in a family; and in vitro functional studies in cultured podocytes showed that this variant increased intracellular retention (Papazachariou et al. 2014. PubMed ID: 25514610). In addition, at other glycine (Gly) residues within this domain, substitutions of a glycine (Gly) with an arginine (Arg) have been widely reported to be pathogenic for autosomal dominant or recessive COL4A3-related Alport syndrome spectrum disorders (see for example, p.Gly801Arg in Xie et al. 2014. PubMed ID: 25596306, autosomal dominant; p.Gly818Arg in Connaughton et al. 2019. PubMed ID: 30773290, autosomal dominant; p.Gly640Arg in Storey et al. 2013. PubMed ID: 24052634, autosomal recessive). The c.1450G>A (p.Gly484Arg) variant is reported in 0.0099% of alleles in individuals of Ashkenazi Jewish descent in gnomAD. This variant is interpreted as likely pathogenic for autosomal dominant and recessive COL4A3-related Alport syndrome spectrum disorders.

GeneDx
Classification: Uncertain significance. Last evaluated: 2026-02-05. Review status: criteria provided, single submitter. Criteria: GeneDx Variant Classification Process June 2021. Collection method: clinical testing. Allele origin: germline.
Comment: Affects a glycine residue in a Gly-X-Y motif in the triple helical region of the COL4A3 gene; In silico analysis supports that this missense variant has a deleterious effect on protein structure/function; This variant is associated with the following publications: (PMID: 33391746, 26138234, 25514610)

Labcorp Genetics (formerly Invitae), Labcorp
Classification: Uncertain significance. Last evaluated: 2025-11-11. Review status: criteria provided, single submitter. Criteria: Invitae Variant Classification Sherloc (09022015). Collection method: clinical testing. Allele origin: germline.
Comment: This sequence change replaces glycine, which is neutral and non-polar, with arginine, which is basic and polar, at codon 484 of the COL4A3 protein (p.Gly484Arg). This variant is present in population databases (rs777401300, gnomAD 0.01%). This missense change has been observed in individual(s) with end stage renal disease (PMID: 6138234, 25514610). ClinVar contains an entry for this variant (Variation ID: 932709). Invitae Evidence Modeling of protein sequence and biophysical properties (such as structural, functional, and spatial information, amino acid conservation, physicochemical variation, residue mobility, and thermodynamic stability) has been performed for this missense variant. However, the output from this modeling did not meet the statistical confidence thresholds required to predict the impact of this variant on COL4A3 protein function. Experimental studies have shown that this missense change affects COL4A3 function (PMID: 25514610). In summary, the available evidence is currently insufficient to determine the role of this variant in disease. Therefore, it has been classified as a Variant of Uncertain Significance.

First Genomix Gene Laboratory, Genetic Diagnostics Department
Classification: Likely pathogenic for Alport syndrome 3b, autosomal recessive. Last evaluated: 2025-09-15. Review status: criteria provided, single submitter. Criteria: ACMG Guidelines, 2015. Collection method: clinical testing. Allele origin: germline. Inheritance: Autosomal recessive inheritance. Affected: no. Observed: 1 variant allele.

Natera, Inc.
Classification: Likely pathogenic for Alport syndrome. Last evaluated: 2025-08-27. Review status: criteria provided, single submitter. Criteria: Natera Variant Classification Schema (03/2026). Collection method: clinical testing. Allele origin: germline.
Comment: The c.1450G>A variant in COL4A3 is a missense variant predicted to cause substitution of glycine to arginine at amino acid 484. This variant is rare in the general population with a frequency below the threshold expected for the associated phenotype(s). This variant has been observed to segregate in affected family members (PMID: 25514610). Functional studies show that this variant may disrupt protein function (PMID: 25514610). This variant is located in a functionally critical region of the protein. Computational prediction algorithms indicate this variant is likely to affect gene or protein function. Given the available evidence, this variant is classified as Likely Pathogenic.

New York Genome Center
Classification: Likely pathogenic for Autosomal dominant Alport syndrome. Last evaluated: 2025-05-23. Review status: criteria provided, single submitter. Criteria: NYGC Assertion Criteria 2020. Collection method: clinical testing. Allele origin: inherited. Observed: 1 variant allele, 1 heterozygote.
Comment: The c.1450G>A variant in COL4A3 has been previously reported in heterozygous state in a Greek-Cypriot family of three affected individuals from a study cohort of 57 families with glomerular microscopic hematuria without classical features of Alport Syndrome [PMID: 25514610]. This variant has been deposited in ClinVar with conflicting classifications of pathogenicity [Variation ID: 932709]. This variant is observed in 49 out of 1,613,868 alleles in the gnomAD v4.1.0 population database (0.00003036 minor allele frequency, no homozygote). The c.1450G>A variant in COL4A3 is located in exon 23 of this 52-exon gene and predicted to replace an evolutionarily conserved glycine residue with arginine at position 484 (p.(Gly484Arg)) in one of the Gly-X-Y repeats in the triple helical domain of the encoded protein [PMID:25229338]. In silico predictions are in favor of damaging effect for p.(Gly484Arg) [REVEL score = 0.969]. An in vitro study showed increased intracellular retention of the p.(Gly484Arg) mutant when expressed in AB8/13 cultured podocytes [PMID: 25514610]. Based on available evidence this heterozygous inherited, c.1450G>A p.(Gly484Arg) variant identified in COL4A3 is classified as Likely Pathogenic.

Mayo Clinic Laboratories, Mayo Clinic
Classification: Likely pathogenic. Last evaluated: 2024-08-21. Review status: criteria provided, single submitter. Criteria: ACMG Guidelines, 2015. Collection method: clinical testing. Allele origin: germline. Observed: 1 variant allele.
Comment: PP1, PP3, PM1_strong, PS3_supporting

Blueprint Genetics
Classification: Uncertain significance. Last evaluated: 2024-06-19. Review status: criteria provided, single submitter. Criteria: ACMG Guidelines, 2015. Collection method: clinical testing. Allele origin: germline.

Fulgent Genetics
Classification: Uncertain significance for Autosomal dominant Alport syndrome; Hematuria, benign familial, 2; Alport syndrome 3b, autosomal recessive. Last evaluated: 2024-06-11. Review status: criteria provided, single submitter. Criteria: ACMG Guidelines, 2015. Collection method: clinical testing. Allele origin: germline.